The following is an entry in ClinVar:

ClinVar aggregate classification (germline): Uncertain significance (1 of 4 stars; one submission).

Allele frequency attached by ClinVar (database versions not stated): gnomAD exomes below 0.00001 and 0.00001; gnomAD 0.00001; ExAC 0.00002; TOPMed 0.00005.
gnomAD v4.1: 9 of 1,614,054 alleles (0.00056%); highest among the groups gnomAD compares: Admixed American, 0.005%; no homozygotes.

Submission:

Labcorp Genetics (formerly Invitae), Labcorp
Classification: Uncertain significance. Last evaluated: 2024-01-11. Review status: criteria provided, single submitter. Criteria: Invitae Variant Classification Sherloc (09022015). Collection method: clinical testing. Allele origin: germline.
Comment: This sequence change replaces arginine, which is basic and polar, with tryptophan, which is neutral and slightly polar, at codon 100 of the ERBB2 protein (p.Arg100Trp). This variant is present in population databases (rs749886389, gnomAD 0.009%). This variant has not been reported in the literature in individuals affected with ERBB2-related conditions. ClinVar contains an entry for this variant (Variation ID: 1023323). Advanced modeling of protein sequence and biophysical properties (such as structural, functional, and spatial information, amino acid conservation, physicochemical variation, residue mobility, and thermodynamic stability) performed at Invitae indicates that this missense variant is not expected to disrupt ERBB2 protein function with a negative predictive value of 80%. In summary, the available evidence is currently insufficient to determine the role of this variant in disease. Therefore, it has been classified as a Variant of Uncertain Significance.

NM_004448.4(ERBB2):c.298C>T (p.Arg100Trp)

Gene: ERBB2 (erb-b2 receptor tyrosine kinase 2; plus strand). Cytogenetic location: 17q12.
Variant type: single nucleotide variant.
Coding change: c.298C>T on transcript NM_004448.4 (MANE Select); coding-DNA position 298, C replaced by T.
Protein change: p.Arg100Trp; replaces arginine 100 with tryptophan.
Molecular consequence: missense variant. On other transcripts: non-coding transcript variant (1), intron variant (1).
Genome position (GRCh38, 1-based): chr17:39,708,393, C>T. VCF-style: chr17-39708393-C-T. GRCh37 (hg19) VCF-style: chr17-37864646-C-T.
Other names: c.208C>T, p.Arg70Trp (NM_001005862.3, NM_001289938.2, NM_001382782.1 and 1 more transcripts); c.253C>T, p.Arg85Trp (NM_001289936.2); c.298C>T, p.Arg100Trp (NM_001289937.2, NM_001382784.1, NM_001382785.1 and 19 more transcripts); c.289C>T, p.Arg97Trp (NM_001382791.1); c.74-3535C>T (NM_001382804.1); short protein forms R100W, R70W, R85W, R97W.
Identifiers: ClinVar variation 1023323 (VCV001023323.8), dbSNP rs749886389, ClinGen allele CA8533594.
Genomic context (GRCh38, chr17:39,708,393, plus strand): 5'-GTGCAGGGCTACGTGCTCATCGCTCACAACCAAGTGAGGCAGGTCCCACTGCAGAGGCTG[C>T]GGATTGTGCGAGGCACCCAGCTCTTTGAGGACAACTATGCCCTGGCCGTGCTAGACAATG-3'
Protein context (NP_004439.2, residues 90-110): QVRQVPLQRL[Arg100Trp]IVRGTQLFED